The following is an entry in ClinVar:

NM_004621.6(TRPC6):c.667A>G (p.Ile223Val)

Gene: TRPC6 (transient receptor potential cation channel subfamily C member 6; minus strand). Cytogenetic location: 11q22.1.
Variant type: single nucleotide variant.
Coding change: c.667A>G on transcript NM_004621.6 (MANE Select); coding-DNA position 667, A replaced by G.
Protein change: p.Ile223Val; replaces isoleucine 223 with valine.
Molecular consequence: missense variant.
Genome position (GRCh38, 1-based): chr11:101,504,302, T>C on the plus strand (A>G on the coding strand, the complement: TRPC6 is on the minus strand). VCF-style: chr11-101504302-T-C. GRCh37 (hg19) VCF-style: chr11-101375033-T-C.
Other names: c.667A>G (NM_004621.5); short protein forms I223V.
Identifiers: ClinVar variation 1600779 (VCV001600779.12), dbSNP rs150033580, ClinGen allele CA6244482.

ClinVar aggregate classification (germline): Conflicting classifications of pathogenicity. Review status: criteria provided, conflicting classifications (1 of 4 stars). 5 submissions from 5 submitters: Uncertain significance (2); Benign (1); Likely benign (2). Last evaluated 2025-02-23.

Conditions:
Focal segmental glomerulosclerosis 2 (FSGS2). Identifiers: Orphanet 656, MedGen C1858915, MONDO:0011390, OMIM 603965.
TRPC6-related disorder. Also called: TRPC6-related condition.
Inborn genetic diseases. Identifiers: MedGen C0950123, MeSH D030342.

Allele frequency attached by ClinVar (database versions not stated): ESP Exome Variant Server 0.00008; gnomAD 0.00010; gnomAD exomes 0.00011 and 0.00016; TOPMed 0.00012; ExAC 0.00014; 1000 Genomes Project 0.00020; 1000 Genomes Project 30x 0.00031.
gnomAD v4.1: 167 of 1,613,282 alleles (0.01%); highest among the groups gnomAD compares: Middle Eastern, 0.18%; 1 homozygote.

Submissions (5):

Labcorp Genetics (formerly Invitae), Labcorp
Classification: Benign. Last evaluated: 2025-02-23. Review status: criteria provided, single submitter. Criteria: Invitae Variant Classification Sherloc (09022015). Collection method: clinical testing. Allele origin: germline.

PreventionGenetics, part of Exact Sciences
Classification: Likely benign for TRPC6-related condition. Last evaluated: 2024-10-15. Review status: criteria provided, single submitter. Criteria: ACMG Guidelines, 2015. Collection method: clinical testing. Allele origin: germline.
Comment: This variant is classified as likely benign based on ACMG/AMP sequence variant interpretation guidelines (Richards et al. 2015 PMID: 25741868, with internal and published modifications).

GeneDx
Classification: Uncertain significance. Last evaluated: 2024-02-27. Review status: criteria provided, single submitter. Criteria: GeneDx Variant Classification Process June 2021. Collection method: clinical testing. Allele origin: germline. Affected: yes.
Comment: In silico analysis supports that this missense variant does not alter protein structure/function; Has not been previously published as pathogenic or benign to our knowledge

Fulgent Genetics
Classification: Likely benign for Focal segmental glomerulosclerosis 2. Last evaluated: 2022-03-25. Review status: criteria provided, single submitter. Criteria: ACMG Guidelines, 2015. Collection method: clinical testing. Allele origin: unknown.

Ambry Genetics
Classification: Uncertain significance for Inborn genetic diseases. Last evaluated: 2021-07-09. Review status: criteria provided, single submitter. Criteria: Ambry Variant Classification Scheme 2023. Collection method: clinical testing. Allele origin: germline.